The following is an entry in ClinVar:

NM_014946.4(SPAST):c.1134_1136dup (p.Leu380_Phe381insLeu)

Gene: SPAST (spastin; plus strand). Cytogenetic location: 2p22.3.
Variant type: Duplication.
Coding change: c.1134_1136dup on transcript NM_014946.4 (MANE Select); coding-DNA positions 1134 to 1136, 3 bases duplicated (GTT; older notation c.1134_1136dupGTT).
Protein change: p.Leu380_Phe381insLeu.
Genome position (GRCh38, 1-based): chr2:32,126,983-32,126,985, GTT duplicated; duplicating any 3 consecutive bases within chr2:32,126,982-32,126,985 gives the same sequence; the c. name uses the placement nearest the transcript's 3' end. VCF-style (leftmost placement, unchanged base first): chr2-32126981-C-CTGT. GRCh37 (hg19) VCF-style: chr2-32352050-C-CTGT.
Other names: c.1131_1133dup, p.Leu379_Phe380insLeu (NM_001363823.2); c.1035_1037dup, p.Leu347_Phe348insLeu (NM_001363875.2); c.1038_1040dup, p.Leu348_Phe349insLeu (NM_001377959.1, NM_199436.2).
Identifiers: ClinVar variation 3723060 (VCV003723060.2).

ClinVar aggregate classification (germline): Uncertain significance (1 of 4 stars; one submission).

Conditions:
Hereditary spastic paraplegia 4. Also called: Spastic paraplegia 4, autosomal dominant; Spastic Paraplegia 4; Familial spastic paraplegia autosomal dominant 2. Identifiers: Orphanet 100985, MedGen C1866855, MONDO:0008438, OMIM 182601.

Submission:

Labcorp Genetics (formerly Invitae), Labcorp
Classification: Uncertain significance for Hereditary spastic paraplegia 4. Last evaluated: 2024-10-16. Review status: criteria provided, single submitter. Criteria: Invitae Variant Classification Sherloc (09022015). Collection method: clinical testing. Allele origin: germline.
Comment: This variant, c.1134_1136dup, results in the insertion of 1 amino acid(s) of the SPAST protein (p.Leu380dup), but otherwise preserves the integrity of the reading frame. This variant is not present in population databases (gnomAD no frequency). This variant has not been reported in the literature in individuals affected with SPAST-related conditions. In summary, the available evidence is currently insufficient to determine the role of this variant in disease. Therefore, it has been classified as a Variant of Uncertain Significance.